The following is an entry in ClinVar:

NM_004646.4(NPHS1):c.2927+1G>C

Gene: NPHS1 (NPHS1 adhesion molecule, nephrin; minus strand). Cytogenetic location: 19q13.12.
Variant type: single nucleotide variant.
Coding change: c.2927+1G>C on transcript NM_004646.4 (MANE Select); the canonical splice donor site of the intron after coding-DNA position 2927, G replaced by C.
Molecular consequence: splice donor variant.
Genome position (GRCh38, 1-based): chr19:35,839,495, C>G on the plus strand (G>C on the coding strand, the complement: NPHS1 is on the minus strand). VCF-style: chr19-35839495-C-G. GRCh37 (hg19) VCF-style: chr19-36330397-C-G.
Identifiers: ClinVar variation 2846446 (VCV002846446.3), dbSNP rs386833930, ClinGen allele CA405385672.

ClinVar aggregate classification (germline): Likely pathogenic (1 of 4 stars; one submission).

Submission:

Labcorp Genetics (formerly Invitae), Labcorp
Classification: Likely pathogenic. Last evaluated: 2023-07-12. Review status: criteria provided, single submitter. Criteria: Invitae Variant Classification Sherloc (09022015). Collection method: clinical testing. Allele origin: germline.
Comment: This sequence change affects a donor splice site in intron 21 of the NPHS1 gene. It is expected to disrupt RNA splicing. Variants that disrupt the donor or acceptor splice site typically lead to a loss of protein function (PMID: 16199547), and loss-of-function variants in NPHS1 are known to be pathogenic (PMID: 11317351, 11854170, 12039988). This variant is not present in population databases (gnomAD no frequency). Disruption of this splice site has been observed in individual(s) with steroid resistant nephrotic syndrome (PMID: 20172850). Algorithms developed to predict the effect of sequence changes on RNA splicing suggest that this variant may disrupt the consensus splice site. In summary, the currently available evidence indicates that the variant is pathogenic, but additional data are needed to prove that conclusively. Therefore, this variant has been classified as Likely Pathogenic.

Literature cited by the submitters: PubMed 16199547; PubMed 11317351; PubMed 11854170; PubMed 12039988; PubMed 20172850.